The following is an entry in ClinVar:

NM_001348323.3(TRIP12):c.2812C>G (p.Leu938Val)

Gene: TRIP12 (thyroid hormone receptor interactor 12; minus strand). Cytogenetic location: 2q36.3.
Variant type: single nucleotide variant.
Coding change: c.2812C>G on transcript NM_001348323.3 (MANE Select); coding-DNA position 2812, C replaced by G.
Protein change: p.Leu938Val; replaces leucine 938 with valine.
Molecular consequence: missense variant.
Genome position (GRCh38, 1-based): chr2:229,804,066, G>C on the plus strand (C>G on the coding strand, the complement: TRIP12 is on the minus strand). VCF-style: chr2-229804066-G-C. GRCh37 (hg19) VCF-style: chr2-230668782-G-C.
Other names: c.2731C>G, p.Leu911Val (NM_001284214.2, NM_001348315.2); c.2686C>G, p.Leu896Val (NM_001284215.2, NM_001348316.2, NM_001348317.1 and 1 more transcripts); c.1777C>G, p.Leu593Val (NM_001284216.2); c.2812C>G, p.Leu938Val (NM_001348319.1, NM_001348320.2, NM_001348322.1 and 4 more transcripts); c.2815C>G, p.Leu939Val (NM_001348321.1, NM_001348328.1, NM_001348329.2 and 1 more transcripts); c.2605C>G, p.Leu869Val (NM_001348331.1); c.2725C>G, p.Leu909Val (NM_001348332.1); c.2734C>G, p.Leu912Val (NM_001348333.1); and 1 more; short protein forms L863V, L939V, L593V, L938V, L869V, L896V, L909V, L912V.
Identifiers: ClinVar variation 3182923 (VCV003182923.1), dbSNP rs2471972897, ClinGen allele CA350912319.

ClinVar aggregate classification (germline): Uncertain significance (1 of 4 stars; one submission).

Conditions:
Inborn genetic diseases. Identifiers: MedGen C0950123, MeSH D030342.

Submission:

Ambry Genetics
Classification: Uncertain significance for Inborn genetic diseases. Last evaluated: 2023-10-13. Review status: criteria provided, single submitter. Criteria: Ambry Variant Classification Scheme 2023. Collection method: clinical testing. Allele origin: germline.
Comment: The c.2587C>G (p.L863V) alteration is located in exon 18 (coding exon 17) of the TRIP12 gene. This alteration results from a C to G substitution at nucleotide position 2587, causing the leucine (L) at amino acid position 863 to be replaced by a valine (V). This variant was not reported in population-based cohorts in the Genome Aggregation Database (gnomAD). This amino acid position is highly conserved in available vertebrate species. The in silico prediction for this alteration is inconclusive. Based on insufficient or conflicting evidence, the clinical significance of this alteration remains unclear.